The following is an entry in ClinVar:

NM_198880.3(QRICH1):c.1245A>G (p.Ile415Met)

Gene: QRICH1 (glutamine rich 1; minus strand). Cytogenetic location: 3p21.31.
Variant type: single nucleotide variant.
Coding change: c.1245A>G on transcript NM_198880.3 (MANE Select); coding-DNA position 1245, A replaced by G.
Protein change: p.Ile415Met; replaces isoleucine 415 with methionine.
Molecular consequence: missense variant.
Genome position (GRCh38, 1-based): chr3:49,056,955, T>C on the plus strand (A>G on the coding strand, the complement: QRICH1 is on the minus strand). VCF-style: chr3-49056955-T-C. GRCh37 (hg19) VCF-style: chr3-49094388-T-C.
Other names: c.1245A>G, p.Ile415Met (NM_001320580.2, NM_001320581.2, NM_001320582.2 and 4 more transcripts); short protein forms I415M.
Identifiers: ClinVar variation 1806259 (VCV001806259.2), dbSNP rs867624652, ClinGen allele CA74003707.

ClinVar aggregate classification (germline): Uncertain significance. Review status: criteria provided, multiple submitters, no conflicts (2 of 4 stars). 2 submissions from 2 submitters: Uncertain significance (2). Last evaluated 2024-05-17.

Conditions:
Ververi-Brady syndrome. Identifiers: MedGen C4693824, MONDO:0979877, MONDO:0060707.

Allele frequency attached by ClinVar (database versions not stated): gnomAD exomes below 0.00001.
gnomAD v4.1: 4 of 1,614,112 alleles (0.00025%); highest among the groups gnomAD compares: South Asian, 0.0011%; no homozygotes.

Submissions (2):

Women's Health and Genetics/Laboratory Corporation of America, LabCorp
Classification: Uncertain significance. Last evaluated: 2024-05-17. Review status: criteria provided, single submitter. Criteria: LabCorp Variant Classification Summary - May 2015. Collection method: clinical testing. Allele origin: germline.
Comment: Variant summary: QRICH1 c.1245A>G (p.Ile415Met) results in a conservative amino acid change in the encoded protein sequence. Three of five in-silico tools predict a benign effect of the variant on protein function. The variant allele was found at a frequency of 4e-06 in 251416 control chromosomes. The available data on variant occurrences in the general population are insufficient to allow any conclusion about variant significance. To our knowledge, no occurrence of c.1245A>G in individuals affected with Ververi-Brady Syndrome and no experimental evidence demonstrating its impact on protein function have been reported. ClinVar contains an entry for this variant (Variation ID: 1806259). Based on the evidence outlined above, the variant was classified as uncertain significance.

Victorian Clinical Genetics Services, Murdoch Childrens Research Institute
Classification: Uncertain significance for Ververi-Brady syndrome. Last evaluated: 2020-05-21. Review status: criteria provided, single submitter. Criteria: ACMG Guidelines, 2015. Collection method: clinical testing. Allele origin: germline. Inheritance: Autosomal dominant inheritance. Affected: yes.
Comment: A heterozygous missense variant was identified, NM_017730.3(QRICH1):c.1245A>G in exon 4 of 11 of the QRICH1 gene. This substitution is predicted to create a minor amino acid change from isoleucine to methionine at position 415 of the protein, NP_060200.2(QRICH1):p.(Ile415Met). The isoleucine at this position has high conservation (100 vertebrates, UCSC), but is not situated in a known functional domain. In silico software predicts this variant to be pathogenic (PolyPhen, SIFT, CADD, MutationTaster). The variant is present in the gnomAD population database at a frequency of 0.0004% (1 heterozygote; 0 homozygotes). An alternative change to valine at the same residue has also been reported in the gnomAD database at a frequency of 0.0004%. The variant has not previously been reported in clinical cases. Based on information available at the time of curation, this variant has been classified as a VARIANT of UNCERTAIN SIGNIFICANCE (VUS) with LOW CLINICAL RELEVANCE.